The following is an entry in ClinVar:

ClinVar aggregate classification (germline): Uncertain significance (1 of 4 stars; one submission).

Conditions:
Familial hypocalciuric hypercalcemia (FHH). Also called: Familial benign hypercalcemia. Identifiers: Orphanet 405, MedGen C1809471, MONDO:0018458.
Autosomal dominant hypocalcemia 1 (HYPOC1). Also called: HYPOCALCEMIA, FAMILIAL. Identifiers: MedGen C3715128, MONDO:0011013, OMIM 601198.

Submission:

Labcorp Genetics (formerly Invitae), Labcorp
Classification: Uncertain significance for Familial hypocalciuric hypercalcemia; Autosomal dominant hypocalcemia 1. Last evaluated: 2021-08-19. Review status: criteria provided, single submitter. Criteria: Invitae Variant Classification Sherloc (09022015). Collection method: clinical testing. Allele origin: germline.
Comment: This sequence change creates a premature translational stop signal (p.Gln959Hisfs*19) in the CASR gene. While this is not anticipated to result in nonsense mediated decay, it is expected to disrupt the last 120 amino acid(s) of the CASR protein. This variant is not present in population databases (ExAC no frequency). This variant has not been reported in the literature in individuals affected with CASR-related conditions. Experimental studies and prediction algorithms are not available or were not evaluated, and the functional significance of this variant is currently unknown. In summary, the available evidence is currently insufficient to determine the role of this variant in disease. Therefore, it has been classified as a Variant of Uncertain Significance.

NM_000388.4(CASR):c.2877del (p.Gln959fs)

Gene: CASR (calcium sensing receptor; plus strand). Cytogenetic location: 3q21.1.
Variant type: Deletion.
Coding change: c.2877del on transcript NM_000388.4 (MANE Select); coding-DNA position 2877, one base deleted (G; older notation c.2877delG).
Protein change: p.Gln959fs; shifts the reading frame from glutamine 959.
Molecular consequence: frameshift variant.
Genome position (GRCh38, 1-based): chr3:122,284,831, G deleted. VCF-style (leftmost placement, unchanged base first): chr3-122284830-AG-A. GRCh37 (hg19) VCF-style: chr3-122003677-AG-A.
Other names: c.2907del, p.Gln969fs (NM_001178065.2); short protein forms Q969fs, Q959fs.
Identifiers: ClinVar variation 1376282 (VCV001376282.6), dbSNP rs2107651423, ClinGen allele CA2573136467.